The following is an entry in ClinVar:

NM_000548.5(TSC2):c.2881C>A (p.Pro961Thr)

Gene: TSC2 (TSC complex subunit 2; plus strand). Cytogenetic location: 16p13.3.
Variant type: single nucleotide variant.
Coding change: c.2881C>A on transcript NM_000548.5 (MANE Select); coding-DNA position 2881, C replaced by A.
Protein change: p.Pro961Thr; replaces proline 961 with threonine.
Molecular consequence: missense variant. On other transcripts: intron variant (9).
Genome position (GRCh38, 1-based): chr16:2,077,641, C>A. VCF-style: chr16-2077641-C-A. GRCh37 (hg19) VCF-style: chr16-2127642-C-A.
Other names: c.2881C>A, p.Pro961Thr (NM_001114382.3); c.2837+1056C>A (NM_021055.3, NM_001370405.1, NM_001363528.2 and 2 more transcripts); c.2726+1056C>A (NM_001318827.2); c.2237+1056C>A (NM_001318831.2); c.2690+1056C>A (NM_001318829.2); c.2870+1056C>A (NM_001318832.2); short protein forms P961T.
Identifiers: ClinVar variation 966750 (VCV000966750.10), dbSNP rs2089584361, ClinGen allele CA394281014.

ClinVar aggregate classification (germline): Uncertain significance. Review status: criteria provided, multiple submitters, no conflicts (2 of 4 stars). 2 submissions from 2 submitters: Uncertain significance (2). Last evaluated 2026-01-27.

Conditions:
Tuberous sclerosis 2 (TSC2). Identifiers: Orphanet 805, MedGen C1860707, MONDO:0013199, OMIM 613254.
Hereditary cancer-predisposing syndrome. Also called: Tumor predisposition; Hereditary neoplastic syndrome; Hereditary Cancer Syndrome; Neoplastic Syndromes, Hereditary. Identifiers: Orphanet 140162, MedGen C0027672, MeSH D009386, MONDO:0015356.

Submissions (2):

Ambry Genetics
Classification: Uncertain significance for Hereditary cancer-predisposing syndrome. Last evaluated: 2026-01-27. Review status: criteria provided, single submitter. Criteria: Ambry Variant Classification Scheme 2023. Collection method: clinical testing. Allele origin: germline.
Comment: The p.P961T variant (also known as c.2881C>A), located in coding exon 25 of the TSC2 gene, results from a C to A substitution at nucleotide position 2881. The proline at codon 961 is replaced by threonine, an amino acid with highly similar properties. This amino acid position is not well conserved in available vertebrate species. In addition, the in silico prediction for this alteration is inconclusive. Based on the available evidence, the clinical significance of this variant remains unclear.

Labcorp Genetics (formerly Invitae), Labcorp
Classification: Uncertain significance for Tuberous sclerosis 2. Last evaluated: 2025-02-03. Review status: criteria provided, single submitter. Criteria: Invitae Variant Classification Sherloc (09022015). Collection method: clinical testing. Allele origin: germline.
Comment: This sequence change replaces proline, which is neutral and non-polar, with threonine, which is neutral and polar, at codon 961 of the TSC2 protein (p.Pro961Thr). This variant is not present in population databases (gnomAD no frequency). This missense change has been observed in individual(s) with tuberous sclerosis complex (PMID: 29432982). ClinVar contains an entry for this variant (Variation ID: 966750). Invitae Evidence Modeling of protein sequence and biophysical properties (such as structural, functional, and spatial information, amino acid conservation, physicochemical variation, residue mobility, and thermodynamic stability) indicates that this missense variant is not expected to disrupt TSC2 protein function with a negative predictive value of 95%. In summary, the available evidence is currently insufficient to determine the role of this variant in disease. Therefore, it has been classified as a Variant of Uncertain Significance.

Literature cited by the submitters: PubMed 29432982 (cited by Labcorp Genetics (formerly Invitae), Labcorp).